The following is an entry in ClinVar:

NM_005228.5(EGFR):c.3368C>T (p.Pro1123Leu)

Gene: EGFR (epidermal growth factor receptor; plus strand). Cytogenetic location: 7p11.2.
Variant type: single nucleotide variant.
Coding change: c.3368C>T on transcript NM_005228.5 (MANE Select); coding-DNA position 3368, C replaced by T.
Protein change: p.Pro1123Leu; replaces proline 1123 with leucine.
Molecular consequence: missense variant.
Genome position (GRCh38, 1-based): chr7:55,205,352, C>T. VCF-style: chr7-55205352-C-T. GRCh37 (hg19) VCF-style: chr7-55273045-C-T.
Other names: c.3368C>T (NM_005228.4, NM_005228.3); c.3233C>T, p.Pro1078Leu (NM_001346899.2); c.3209C>T, p.Pro1070Leu (NM_001346900.2); c.2567C>T, p.Pro856Leu (NM_001346941.2); short protein forms P1070L, P1078L, P1123L, P856L.
Identifiers: ClinVar variation 1056156 (VCV001056156.10), dbSNP rs775317295, ClinGen allele CA4266388.

ClinVar aggregate classification (germline): Uncertain significance. Review status: criteria provided, multiple submitters, no conflicts (2 of 4 stars). 3 submissions from 3 submitters: Uncertain significance (2). 1 of the submissions does not count toward it. Last evaluated 2025-10-09.

Conditions:
Inflammatory skin and bowel disease, neonatal, 2 (NNCIS). Identifiers: Orphanet 294023, MedGen C4015130, MONDO:0014481, OMIM 616069.
EGFR-related lung cancer (EGFR). Identifiers: MedGen CN130014.
EGFR-related disorder. Also called: EGFR-related condition.
Hereditary cancer-predisposing syndrome. Also called: Hereditary Cancer Syndrome; Tumor predisposition; Hereditary neoplastic syndrome; Neoplastic Syndromes, Hereditary. Identifiers: Orphanet 140162, MedGen C0027672, MeSH D009386, MONDO:0015356.

Allele frequency attached by ClinVar (database versions not stated): TOPMed below 0.00001; gnomAD exomes 0.00001 and 0.00006; ExAC 0.00002.

Submissions (3):

Labcorp Genetics (formerly Invitae), Labcorp
Classification: Uncertain significance for EGFR-related lung cancer. Last evaluated: 2025-10-09. Review status: criteria provided, single submitter. Criteria: Invitae Variant Classification Sherloc (09022015). Collection method: clinical testing. Allele origin: germline.
Comment: This sequence change replaces proline, which is neutral and non-polar, with leucine, which is neutral and non-polar, at codon 1123 of the EGFR protein (p.Pro1123Leu). This variant is present in population databases (rs775317295, gnomAD 0.003%). This variant has not been reported in the literature in individuals affected with EGFR-related conditions. ClinVar contains an entry for this variant (Variation ID: 1056156). An algorithm developed to predict the effect of missense changes on protein structure and function outputs the following: PolyPhen-2: "Benign". The leucine amino acid residue is found in multiple mammalian species, which suggests that this missense change does not adversely affect protein function. In summary, the available evidence is currently insufficient to determine the role of this variant in disease. Therefore, it has been classified as a Variant of Uncertain Significance.

Ambry Genetics
Classification: Uncertain significance for Hereditary cancer-predisposing syndrome. Last evaluated: 2025-02-08. Review status: criteria provided, single submitter. Criteria: Ambry Variant Classification Scheme 2023. Collection method: clinical testing. Allele origin: germline.
Comment: The p.P1123L variant (also known as c.3368C>T), located in coding exon 28 of the EGFR gene, results from a C to T substitution at nucleotide position 3368. The proline at codon 1123 is replaced by leucine, an amino acid with similar properties. This amino acid position is conserved. In addition, this alteration is predicted to be tolerated by in silico analysis. Based on the available evidence, the clinical significance of this variant remains unclear.

PreventionGenetics, part of Exact Sciences
Classification: Uncertain significance for EGFR-related condition. Last evaluated: 2024-09-08. Review status: no assertion criteria provided. Collection method: clinical testing. Allele origin: germline. Not counted in ClinVar's aggregate classification.
Comment: The EGFR c.3368C>T variant is predicted to result in the amino acid substitution p.Pro1123Leu. To our knowledge, this variant has not been reported in the literature. This variant is reported in 0.0027% of alleles in individuals of European (Non-Finnish) descent in gnomAD. This variant is interpreted as uncertain significance in ClinVar. At this time, the clinical significance of this variant is uncertain due to the absence of conclusive functional and genetic evidence.